The following is an entry in ClinVar:

ClinVar aggregate classification (germline): Uncertain significance (1 of 4 stars; one submission).

Conditions:
Primary ciliary dyskinesia. Also called: Ciliary dyskinesia. Identifiers: Orphanet 244, MedGen C0008780, MONDO:0016575, HP:0012265.

Submission:

Labcorp Genetics (formerly Invitae), Labcorp
Classification: Uncertain significance for Primary ciliary dyskinesia. Last evaluated: 2019-05-10. Review status: criteria provided, single submitter. Criteria: Invitae Variant Classification Sherloc (09022015). Collection method: clinical testing. Allele origin: germline.
Comment: This sequence change replaces serine with arginine at codon 102 of the DNAAF2 protein (p.Ser102Arg). The serine residue is moderately conserved and there is a moderate physicochemical difference between serine and arginine. While this variant is not present in population databases, the frequency information is unreliable, as metrics indicate poor data quality at this position in the ExAC database. This variant has not been reported in the literature in individuals with DNAAF2-related disease. Algorithms developed to predict the effect of missense changes on protein structure and function output the following: SIFT: "Tolerated"; PolyPhen-2: "Benign"; Align-GVGD: "Class C0". The arginine amino acid residue is found in multiple mammalian species, suggesting that this missense change does not adversely affect protein function. These predictions have not been confirmed by published functional studies and their clinical significance is uncertain. In summary, the available evidence is currently insufficient to determine the role of this variant in disease. Therefore, it has been classified as a Variant of Uncertain Significance.

NM_018139.3(DNAAF2):c.306C>A (p.Ser102Arg)

Gene: DNAAF2 (dynein axonemal assembly factor 2; minus strand). Cytogenetic location: 14q21.3.
Variant type: single nucleotide variant.
Coding change: c.306C>A on transcript NM_018139.3 (MANE Select); coding-DNA position 306, C replaced by A.
Protein change: p.Ser102Arg; replaces serine 102 with arginine.
Molecular consequence: missense variant.
Genome position (GRCh38, 1-based): chr14:49,634,844, G>T on the plus strand (C>A on the coding strand, the complement: DNAAF2 is on the minus strand). VCF-style: chr14-49634844-G-T. GRCh37 (hg19) VCF-style: chr14-50101562-G-T.
Other names: c.306C>A, p.Ser102Arg (NM_001083908.2); short protein forms S102R.
Identifiers: ClinVar variation 454907 (VCV000454907.2), dbSNP rs1555328112, ClinGen allele CA389632122.